The following is an entry in ClinVar:

ClinVar aggregate classification (germline): Pathogenic (1 of 4 stars; one submission).

Conditions:
GNPTAB-Related Disorders. Also called: GNPTAB-related disorder; GNPTAB-related condition. Identifiers: MedGen CN381523.

Submission:

3billion
Classification: Pathogenic for GNPTAB-related disorder. Last evaluated: 2024-12-30. Review status: criteria provided, single submitter. Criteria: ACMG Guidelines, 2015. Collection method: clinical testing. Allele origin: germline. Affected: yes.
Comment: The variant is not observed in the gnomAD v4.1.0 dataset. Predicted Consequence/Location: Frameshift: predicted to result in a loss or disruption of normal protein function through nonsense-mediated decay (NMD) or protein truncation. Multiple pathogenic variants are reported downstream of the variant. The variant has been reported to be associated with GNPTAB-related disorder (3billion dataset). Therefore, this variant is classified as Pathogenic according to the recommendation of ACMG/AMP guideline.

NM_024312.5(GNPTAB):c.1719_1720del (p.Gly575fs)

Gene: GNPTAB (N-acetylglucosamine-1-phosphate transferase subunits alpha and beta; minus strand). Cytogenetic location: 12q23.2.
Variant type: Deletion.
Coding change: c.1719_1720del on transcript NM_024312.5 (MANE Select); coding-DNA positions 1719 to 1720, 2 bases deleted (AA; older notation c.1719_1720delAA).
Protein change: p.Gly575fs; shifts the reading frame from glycine 575.
Molecular consequence: frameshift variant.
Genome position (GRCh38, 1-based): chr12:101,765,197-101,765,198, TT deleted on the plus strand (AA on the coding strand, the reverse complement: GNPTAB is on the minus strand); deleting any 2 consecutive bases within chr12:101,765,197-101,765,200 gives the same sequence; the c. name uses the placement nearest the transcript's 3' end. VCF-style (leftmost placement, unchanged base first): chr12-101765196-CTT-C. GRCh37 (hg19) VCF-style: chr12-102158974-CTT-C.
Other names: short protein forms G575fs.
Identifiers: ClinVar variation 4292132 (VCV004292132.1).